The following is an entry in ClinVar:

ClinVar aggregate classification (germline): Uncertain significance. Review status: criteria provided, multiple submitters, no conflicts (2 of 4 stars). 3 submissions from 3 submitters: Uncertain significance (3). Last evaluated 2025-10-22.

Conditions:
MYPN-related myopathy (CMYO24). Also called: Nemaline myopathy 11, autosomal recessive. Identifiers: MedGen C4479186, MONDO:0015023, OMIM 617336.
Dilated cardiomyopathy 1KK (CMD1KK). Identifiers: Orphanet 154, Orphanet 75249, MedGen C3714995, MONDO:0014100, OMIM 615248.
Cardiovascular phenotype. Identifiers: MedGen CN230736.

Allele frequency attached by ClinVar (database versions not stated): ExAC 0.00002; TOPMed 0.00002; gnomAD 0.00003 and 0.00004; gnomAD exomes 0.00003 and 0.00004.
gnomAD v4.1: 56 of 1,613,636 alleles (0.0035%); highest among the groups gnomAD compares: Non-Finnish European, 0.0045%; no homozygotes.

Submissions (3):

Labcorp Genetics (formerly Invitae), Labcorp
Classification: Uncertain significance for Dilated cardiomyopathy 1KK. Last evaluated: 2025-10-22. Review status: criteria provided, single submitter. Criteria: Invitae Variant Classification Sherloc (09022015). Collection method: clinical testing. Allele origin: germline.
Comment: This sequence change replaces arginine, which is basic and polar, with glutamine, which is neutral and polar, at codon 1091 of the MYPN protein (p.Arg1091Gln). This variant is present in population databases (rs768452699, gnomAD 0.006%). This variant has not been reported in the literature in individuals affected with MYPN-related conditions. ClinVar contains an entry for this variant (Variation ID: 544031). An algorithm developed to predict the effect of missense changes on protein structure and function (PolyPhen-2) suggests that this variant is likely to be disruptive. In summary, the available evidence is currently insufficient to determine the role of this variant in disease. Therefore, it has been classified as a Variant of Uncertain Significance.

Ambry Genetics
Classification: Uncertain significance for Cardiovascular phenotype. Last evaluated: 2025-03-20. Review status: criteria provided, single submitter. Criteria: Ambry Variant Classification Scheme 2023. Collection method: clinical testing. Allele origin: germline.

Fulgent Genetics
Classification: Uncertain significance for Dilated cardiomyopathy 1KK; MYPN-related myopathy. Last evaluated: 2021-09-09. Review status: criteria provided, single submitter. Criteria: ACMG Guidelines, 2015. Collection method: clinical testing. Allele origin: unknown.

NM_032578.4(MYPN):c.3272G>A (p.Arg1091Gln)

Gene: MYPN (myopalladin; plus strand). Cytogenetic location: 10q21.3.
Variant type: single nucleotide variant.
Coding change: c.3272G>A on transcript NM_032578.4 (MANE Select); coding-DNA position 3272, G replaced by A.
Protein change: p.Arg1091Gln; replaces arginine 1091 with glutamine.
Molecular consequence: missense variant. On other transcripts: non-coding transcript variant (2).
Genome position (GRCh38, 1-based): chr10:68,197,465, G>A. VCF-style: chr10-68197465-G-A. GRCh37 (hg19) VCF-style: chr10-69957222-G-A.
Other names: c.3272G>A, p.Arg1091Gln (NM_001256267.2); c.2390G>A, p.Arg797Gln (NM_001256268.2); short protein forms R1091Q, R797Q.
Identifiers: ClinVar variation 544031 (VCV000544031.25), dbSNP rs768452699, ClinGen allele CA5522998.
Genomic context (GRCh38, chr10:68,197,465, plus strand): 5'-TCCGACCACATTTCCTGCAGGCTCCTGGGGATATGGTAGCTCATGAGGGGCGCCTCTGTC[G>A]GCTGGACTGTAAGGTAGACTCCAGCACCCATGCTTAGTTCCAGATCTGTTCATATTTTGT-3'
Protein context (NP_115967.2, residues 1081-1101): DMVAHEGRLC[Arg1091Gln]LDCKVSGLPP